The following is an entry in ClinVar:

ClinVar aggregate classification (germline): Uncertain significance (1 of 4 stars; one submission).

Allele frequency attached by ClinVar (database versions not stated): gnomAD 0.00001; gnomAD exomes 0.00001; TOPMed 0.00002.

Submission:

Labcorp Genetics (formerly Invitae), Labcorp
Classification: Uncertain significance. Last evaluated: 2025-05-14. Review status: criteria provided, single submitter. Criteria: Invitae Variant Classification Sherloc (09022015). Collection method: clinical testing. Allele origin: germline.
Comment: This sequence change replaces methionine, which is neutral and non-polar, with valine, which is neutral and non-polar, at codon 112 of the MAP3K8 protein (p.Met112Val). This variant is not present in population databases (gnomAD no frequency). This variant has not been reported in the literature in individuals affected with MAP3K8-related conditions. ClinVar contains an entry for this variant (Variation ID: 2428416). An algorithm developed to predict the effect of missense changes on protein structure and function (PolyPhen-2) suggests that this variant is likely to be tolerated. In summary, the available evidence is currently insufficient to determine the role of this variant in disease. Therefore, it has been classified as a Variant of Uncertain Significance.

NM_005204.4(MAP3K8):c.334A>G (p.Met112Val)

Gene: MAP3K8 (mitogen-activated protein kinase kinase kinase 8; plus strand). Cytogenetic location: 10p11.23.
Variant type: single nucleotide variant.
Coding change: c.334A>G on transcript NM_005204.4 (MANE Select); coding-DNA position 334, A replaced by G.
Protein change: p.Met112Val; replaces methionine 112 with valine.
Molecular consequence: missense variant.
Genome position (GRCh38, 1-based): chr10:30,439,272, A>G. VCF-style: chr10-30439272-A-G. GRCh37 (hg19) VCF-style: chr10-30728201-A-G.
Other names: c.334A>G, p.Met112Val (NM_001244134.1, NM_001320961.2); short protein forms M112V.
Identifiers: ClinVar variation 2428416 (VCV002428416.6), dbSNP rs1240091650, ClinGen allele CA376436064.
Genomic context (GRCh38, chr10:30,439,272, plus strand): 5'-TCCAACACTGCAAAGCATTTTTATGGACAACGACCACAGGAATCTGGAATTTTATTAAAC[A>G]TGGTACGTTTCTTTCCGATCAGTTGGGTGCTATGTGCTCAGCTTTCCTACTGCAGCTTCA-3'
Protein context (NP_005195.2, residues 102-122): RPQESGILLN[Met112Val]VITPQNGRYQ